The following is an entry in ClinVar:

ClinVar aggregate classification (germline): Likely pathogenic (0 of 4 stars; one submission).

Conditions:
RYR1-related disorder. Also called: RYR1-related disorders; RYR1-related condition. Identifiers: MedGen CN239331.

Submission:

PreventionGenetics, part of Exact Sciences
Classification: Likely pathogenic for RYR1-related condition. Last evaluated: 2024-06-26. Review status: no assertion criteria provided. Collection method: clinical testing. Allele origin: germline.
Comment: The RYR1 c.12625-2A>G variant is predicted to disrupt the AG splice acceptor site and interfere with normal splicing. To our knowledge, this variant has not been reported in the literature or in a large population database, indicating this variant is rare. Variants that disrupt the consensus splice acceptor site in RYR1 are expected to be pathogenic. This variant is interpreted as likely pathogenic for autosomal recessive RYR1-related disorders.

NM_000540.3(RYR1):c.12625-2A>G

Gene: RYR1 (ryanodine receptor 1; plus strand). Cytogenetic location: 19q13.2.
Variant type: single nucleotide variant.
Coding change: c.12625-2A>G on transcript NM_000540.3 (MANE Select); the canonical splice acceptor site of the intron before coding-DNA position 12625, A replaced by G.
Molecular consequence: splice acceptor variant.
Genome position (GRCh38, 1-based): chr19:38,564,957, A>G. VCF-style: chr19-38564957-A-G. GRCh37 (hg19) VCF-style: chr19-39055597-A-G.
Other names: c.12610-2A>G (NM_001042723.2).
Identifiers: ClinVar variation 3345543 (VCV003345543.1).